The following is an entry in ClinVar:

NM_005343.4(HRAS):c.-5G>A

Genes: HRAS (HRas proto-oncogene, GTPase; minus strand), LRRC56 (leucine rich repeat containing 56; plus strand). Cytogenetic location: 11p15.5.
Variant type: single nucleotide variant.
Coding change: c.-5G>A on transcript NM_005343.4 (MANE Select); 5 bases upstream of the start codon, G replaced by A.
Molecular consequence: 5 prime UTR variant.
Genome position (GRCh38, 1-based): chr11:534,327, C>T on the plus strand (G>A on the coding strand, the complement: HRAS is on the minus strand). VCF-style: chr11-534327-C-T. GRCh37 (hg19) VCF-style: chr11-534327-C-T.
Other names: c.-5G>A (NM_001130442.3, NM_176795.5); c.-324G>A (NM_001318054.2).
Identifiers: ClinVar variation 975012 (VCV000975012.1), dbSNP rs879083675, ClinGen allele CA5779442.

ClinVar aggregate classification (germline): Uncertain significance (1 of 4 stars; one submission).

Allele frequency attached by ClinVar (database versions not stated): gnomAD exomes below 0.00001; ExAC 0.00001.
gnomAD v4.1: 2 of 1,609,800 alleles (0.00012%); highest among the groups gnomAD compares: South Asian, 0.0022%; no homozygotes.

Submission:

Women's Health and Genetics/Laboratory Corporation of America, LabCorp
Classification: Uncertain significance. Last evaluated: 2020-07-27. Review status: criteria provided, single submitter. Criteria: LabCorp Variant Classification Summary - May 2015. Collection method: clinical testing. Allele origin: germline.
Comment: Variant summary: HRAS c.-5G>A is located in the untranslated mRNA region upstream of the initiation codon. 4/4 computational tools predict no significant impact on normal splicing. However, these predictions have yet to be confirmed by functional studies. The variant allele was found at a frequency of 4e-06 in 247290 control chromosomes (gnomAD). The available data on variant occurrences in the general population are insufficient to allow any conclusion about variant significance. To our knowledge, no occurrence of c.-5G>A in individuals affected with Costello Syndrome and no experimental evidence demonstrating its impact on protein function have been reported. No clinical diagnostic laboratories have submitted clinical-significance assessments for this variant to ClinVar after 2014. Based on the evidence outlined above, the variant was classified as uncertain significance.